The following is an entry in ClinVar:

NM_004006.3(DMD):c.10666G>A (p.Ala3556Thr)

Gene: DMD (dystrophin; minus strand). Cytogenetic location: Xp21.2.
Variant type: single nucleotide variant.
Coding change: c.10666G>A on transcript NM_004006.3 (MANE Select); coding-DNA position 10666, G replaced by A.
Protein change: p.Ala3556Thr; replaces alanine 3556 with threonine.
Molecular consequence: missense variant.
Genome position (GRCh38, 1-based): chrX:31,147,406, C>T on the plus strand (G>A on the coding strand, the complement: DMD is on the minus strand). VCF-style: chrX-31147406-C-T. GRCh37 (hg19) VCF-style: chrX-31165523-C-T.
Other names: c.10642G>A, p.Ala3548Thr (NM_000109.4); c.10654G>A, p.Ala3552Thr (NM_004009.3); c.10297G>A, p.Ala3433Thr (NM_004010.3); c.6643G>A, p.Ala2215Thr (NM_004011.4); c.6634G>A, p.Ala2212Thr (NM_004012.4); c.3286G>A, p.Ala1096Thr (NM_004013.3, NM_004021.3); c.2479G>A, p.Ala827Thr (NM_004014.3); c.1462G>A, p.Ala488Thr (NM_004015.3, NM_004016.3); and 3 more; short protein forms A3433T, A488T, A2212T, A2215T, A3556T, A475T, A827T, A1096T.
Identifiers: ClinVar variation 956395 (VCV000956395.11), dbSNP rs2036843971, ClinGen allele CA412649276.

ClinVar aggregate classification (germline): Uncertain significance. Review status: criteria provided, multiple submitters, no conflicts (2 of 4 stars). 3 submissions from 3 submitters: Uncertain significance (2). 1 of the submissions does not count toward it. Last evaluated 2025-07-29.

Conditions:
Duchenne muscular dystrophy (DMD). Also called: MUSCULAR DYSTROPHY, PSEUDOHYPERTROPHIC PROGRESSIVE, DUCHENNE TYPE; Duchenne Muscular Dystrophy (DMD). Identifiers: Orphanet 98896, MedGen C0013264, MONDO:0010679, OMIM 310200.
Dystrophin deficiency.
Becker muscular dystrophy (BMD). Also called: MUSCULAR DYSTROPHY, PSEUDOHYPERTROPHIC PROGRESSIVE, BECKER TYPE; Becker Muscular Dystrophy (BMD). Identifiers: Orphanet 98895, MedGen C0917713, MONDO:0010311, OMIM 300376.
Cardiomyopathy (CMYO). Also called: Cardiomyopathies. Identifiers: Orphanet 167848, MedGen C0878544, MONDO:0004994, HP:0001638. Inheritance: Various modes of inheritance.

Allele frequency attached by ClinVar (database versions not stated): gnomAD exomes 0.00001; TOPMed 0.00004.
gnomAD v4.1: 4 of 1,210,175 alleles (0.00033%); highest among the groups gnomAD compares: Admixed American, 0.0022%; no homozygotes.

Submissions (3):

Labcorp Genetics (formerly Invitae), Labcorp
Classification: Uncertain significance for Duchenne muscular dystrophy. Last evaluated: 2025-07-29. Review status: criteria provided, single submitter. Criteria: Invitae Variant Classification Sherloc (09022015). Collection method: clinical testing. Allele origin: germline.
Comment: This sequence change replaces alanine, which is neutral and non-polar, with threonine, which is neutral and polar, at codon 3556 of the DMD protein (p.Ala3556Thr). This variant is not present in population databases (gnomAD no frequency). This variant has not been reported in the literature in individuals affected with DMD-related conditions. ClinVar contains an entry for this variant (Variation ID: 956395). Invitae Evidence Modeling of protein sequence and biophysical properties (such as structural, functional, and spatial information, amino acid conservation, physicochemical variation, residue mobility, and thermodynamic stability) indicates that this missense variant is not expected to disrupt DMD protein function with a negative predictive value of 95%. In summary, the available evidence is currently insufficient to determine the role of this variant in disease. Therefore, it has been classified as a Variant of Uncertain Significance.

Revvity Omics, Revvity
Classification: Uncertain significance. Last evaluated: 2019-10-15. Review status: criteria provided, single submitter. Criteria: ACMG Guidelines, 2015. Collection method: clinical testing. Allele origin: germline.

Natera, Inc.
Classification: Uncertain significance for Becker muscular dystrophy; Cardiomyopathy; Duchenne muscular dystrophy; Dystrophin deficiency. Last evaluated: 2018-10-30. Review status: no assertion criteria provided. Collection method: clinical testing. Allele origin: germline. Not counted in ClinVar's aggregate classification.